The following is an entry in ClinVar:

NM_000268.4(NF2):c.1022G>C (p.Arg341Pro)

Gene: NF2 (NF2, moesin-ezrin-radixin like (MERLIN) tumor suppressor; plus strand). Cytogenetic location: 22q12.2.
Variant type: single nucleotide variant.
Coding change: c.1022G>C on transcript NM_000268.4 (MANE Select); coding-DNA position 1022, G replaced by C.
Protein change: p.Arg341Pro; replaces arginine 341 with proline.
Molecular consequence: missense variant. On other transcripts: non-coding transcript variant (1), intron variant (1).
Genome position (GRCh38, 1-based): chr22:29,671,848, G>C. VCF-style: chr22-29671848-G-C. GRCh37 (hg19) VCF-style: chr22-30067837-G-C.
Other names: c.1022G>C, p.Arg341Pro (NM_016418.5, NM_181825.3, NM_181832.3); c.896G>C, p.Arg299Pro (NM_181828.3); c.899G>C, p.Arg300Pro (NM_181829.3); c.773G>C, p.Arg258Pro (NM_181830.3, NM_181831.3); c.448-22904G>C (NM_181833.3); short protein forms R341P, R258P, R299P, R300P.
Identifiers: ClinVar variation 1488481 (VCV001488481.8), dbSNP rs754087071, ClinGen allele CA411146769.

ClinVar aggregate classification (germline): Uncertain significance (1 of 4 stars; one submission).

Conditions:
Neurofibromatosis, type 2 (SWNV). Also called: BILATERAL ACOUSTIC NEUROFIBROMATOSIS; SCHWANNOMATOSIS, VESTIBULAR; NF2-Related Schwannomatosis. Identifiers: Orphanet 637, MedGen C0027832, MONDO:0007039, OMIM 101000. Disease mechanism: loss of function.

Submission:

Labcorp Genetics (formerly Invitae), Labcorp
Classification: Uncertain significance for Neurofibromatosis, type 2. Last evaluated: 2020-12-03. Review status: criteria provided, single submitter. Criteria: Invitae Variant Classification Sherloc (09022015). Collection method: clinical testing. Allele origin: germline.
Comment: This sequence change replaces arginine with proline at codon 341 of the NF2 protein (p.Arg341Pro). The arginine residue is highly conserved and there is a moderate physicochemical difference between arginine and proline. In summary, the available evidence is currently insufficient to determine the role of this variant in disease. Therefore, it has been classified as a Variant of Uncertain Significance. Algorithms developed to predict the effect of missense changes on protein structure and function (SIFT, PolyPhen-2, Align-GVGD) all suggest that this variant is likely to be tolerated, but these predictions have not been confirmed by published functional studies and their clinical significance is uncertain. This variant has not been reported in the literature in individuals with NF2-related conditions. This variant is not present in population databases (ExAC no frequency).